The following is an entry in ClinVar:

NM_004958.4(MTOR):c.2361C>T (p.Asp787=)

Gene: MTOR (mechanistic target of rapamycin kinase; minus strand). Cytogenetic location: 1p36.22.
Variant type: single nucleotide variant.
Coding change: c.2361C>T on transcript NM_004958.4 (MANE Select); coding-DNA position 2361, C replaced by T.
Protein change: p.Asp787=; no amino-acid change (aspartic acid 787 retained).
Molecular consequence: synonymous variant.
Genome position (GRCh38, 1-based): chr1:11,233,458, G>A on the plus strand (C>T on the coding strand, the complement: MTOR is on the minus strand). VCF-style: chr1-11233458-G-A. GRCh37 (hg19) VCF-style: chr1-11293515-G-A.
Other names: c.2361C>T, p.Asp787= (NM_001386500.1); c.1113C>T, p.Asp371= (NM_001386501.1).
Identifiers: ClinVar variation 4693771 (VCV004693771.2).

ClinVar aggregate classification (germline): Likely benign. Review status: criteria provided, multiple submitters, no conflicts (2 of 4 stars). 2 submissions from 2 submitters: Likely benign (2). Last evaluated 2025-02-23.

Conditions:
MTOR-related disorder. Also called: MTOR-related condition.

gnomAD v4.1: 21 of 1,613,902 alleles (0.0013%); highest among the groups gnomAD compares: Non-Finnish European, 0.0017%; no homozygotes.

Submissions (2):

Labcorp Genetics (formerly Invitae), Labcorp
Classification: Likely benign. Last evaluated: 2025-02-23. Review status: criteria provided, single submitter. Criteria: Invitae Variant Classification Sherloc (09022015). Collection method: clinical testing. Allele origin: germline.

PreventionGenetics, part of Exact Sciences
Classification: Likely benign for MTOR-related condition. Last evaluated: 2025-01-21. Review status: criteria provided, single submitter. Criteria: ACMG Guidelines, 2015. Collection method: clinical testing. Allele origin: germline.
Comment: This variant is classified as likely benign based on ACMG/AMP sequence variant interpretation guidelines (Richards et al. 2015 PMID: 25741868, with internal and published modifications).